The following is an entry in ClinVar:

ClinVar aggregate classification (germline): Uncertain significance. Review status: criteria provided, multiple submitters, no conflicts (2 of 4 stars). 2 submissions from 2 submitters: Uncertain significance (2). Last evaluated 2024-07-06.

Conditions:
Hereditary cancer-predisposing syndrome. Also called: Hereditary neoplastic syndrome; Neoplastic Syndromes, Hereditary; Tumor predisposition; Hereditary Cancer Syndrome. Identifiers: Orphanet 140162, MedGen C0027672, MeSH D009386, MONDO:0015356.
Tuberous sclerosis 2 (TSC2). Identifiers: Orphanet 805, MedGen C1860707, MONDO:0013199, OMIM 613254.

Submissions (2):

Ambry Genetics
Classification: Uncertain significance for Hereditary cancer-predisposing syndrome. Last evaluated: 2024-07-06. Review status: criteria provided, single submitter. Criteria: Ambry Variant Classification Scheme 2023. Collection method: clinical testing. Allele origin: germline.
Comment: The p.D514G variant (also known as c.1541A>G), located in coding exon 14 of the TSC2 gene, results from an A to G substitution at nucleotide position 1541. The aspartic acid at codon 514 is replaced by glycine, an amino acid with similar properties. This amino acid position is conserved. In addition, this alteration is predicted to be deleterious by in silico analysis. Based on the available evidence, the clinical significance of this variant remains unclear.

Labcorp Genetics (formerly Invitae), Labcorp
Classification: Uncertain significance for Tuberous sclerosis 2. Last evaluated: 2021-08-27. Review status: criteria provided, single submitter. Criteria: Invitae Variant Classification Sherloc (09022015). Collection method: clinical testing. Allele origin: germline.
Comment: This sequence change replaces aspartic acid with glycine at codon 514 of the TSC2 protein (p.Asp514Gly). The aspartic acid residue is highly conserved and there is a moderate physicochemical difference between aspartic acid and glycine. This variant is not present in population databases (ExAC no frequency). This variant has not been reported in the literature in individuals affected with TSC2-related conditions. Advanced modeling of protein sequence and biophysical properties (such as structural, functional, and spatial information, amino acid conservation, physicochemical variation, residue mobility, and thermodynamic stability) performed at Invitae indicates that this missense variant is not expected to disrupt TSC2 protein function. In summary, the available evidence is currently insufficient to determine the role of this variant in disease. Therefore, it has been classified as a Variant of Uncertain Significance.

NM_000548.5(TSC2):c.1541A>G (p.Asp514Gly)

Gene: TSC2 (TSC complex subunit 2; plus strand). Cytogenetic location: 16p13.3.
Variant type: single nucleotide variant.
Coding change: c.1541A>G on transcript NM_000548.5 (MANE Select); coding-DNA position 1541, A replaced by G.
Protein change: p.Asp514Gly; replaces aspartic acid 514 with glycine.
Molecular consequence: missense variant.
Genome position (GRCh38, 1-based): chr16:2,064,369, A>G. VCF-style: chr16-2064369-A-G. GRCh37 (hg19) VCF-style: chr16-2114370-A-G.
Other names: c.1541A>G (NM_000548.3); c.1541A>G, p.Asp514Gly (NM_001077183.3, NM_001114382.3, NM_001363528.2 and 3 more transcripts); c.1430A>G, p.Asp477Gly (NM_001318827.2); c.1394A>G, p.Asp465Gly (NM_001318829.2); c.941A>G, p.Asp314Gly (NM_001318831.2); c.1574A>G, p.Asp525Gly (NM_001318832.2); short protein forms D477G, D514G, D314G, D465G, D525G.
Identifiers: ClinVar variation 1046824 (VCV001046824.7), dbSNP rs2087022663, ClinGen allele CA394326373.
Genomic context (GRCh38, chr16:2,064,369, plus strand): 5'-CCCACATCCCCGAGGATAAAGACCACCAGGTCCGAAAGCTGGCCACCCAGTTGCTGGTGG[A>G]CCTGGCAGAGGGCTGCCACACACACCACTTCAACAGCCTGCTGGACATCATCGAGAAGGT-3'
Protein context (NP_000539.2, residues 504-524): VRKLATQLLV[Asp514Gly]LAEGCHTHHF